The following is an entry in ClinVar:

ClinVar aggregate classification (germline): Uncertain significance (1 of 4 stars; one submission).

Submission:

Labcorp Genetics (formerly Invitae), Labcorp
Classification: Uncertain significance. Last evaluated: 2022-07-19. Review status: criteria provided, single submitter. Criteria: Invitae Variant Classification Sherloc (09022015). Collection method: clinical testing. Allele origin: germline.
Comment: This variant has not been reported in the literature in individuals affected with POLE-related conditions. ClinVar contains an entry for this variant (Variation ID: 473771). In summary, the available evidence is currently insufficient to determine the role of this variant in disease. Therefore, it has been classified as a Variant of Uncertain Significance. This variant is not present in population databases (gnomAD no frequency). This variant, c.5889_5894del, results in the deletion of 2 amino acid(s) of the POLE protein (p.Glu1965_Glu1966del), but otherwise preserves the integrity of the reading frame.

NM_006231.4(POLE):c.5883GGA[2] (p.Glu1965_Glu1966del)

Gene: POLE (DNA polymerase epsilon, catalytic subunit; minus strand). Cytogenetic location: 12q24.33.
Variant type: Microsatellite.
Coding change: c.5883GGA[2] on transcript NM_006231.4 (MANE Select); two copies in a row of the 3-base unit GGA starting at c.5883; the reference has four copies in a row; two copies, 6 bases deleted.
Protein change: p.Glu1965_Glu1966del.
Molecular consequence: inframe deletion.
Genome position (GRCh38, 1-based): chr12:132,634,296-132,634,301, TCCTCC deleted on the plus strand (GGAGGA on the coding strand, the reverse complement: POLE is on the minus strand); deleting any 6 consecutive bases within chr12:132,634,296-132,634,307 gives the same sequence; the position shown is the placement nearest the transcript's 3' end. VCF-style (leftmost placement, unchanged base first): chr12-132634295-TTCCTCC-T. GRCh37 (hg19) VCF-style: chr12-133210881-TTCCTCC-T.
Other names: c.5889_5894delGGAGGA (NM_006231.3).
Identifiers: ClinVar variation 473771 (VCV000473771.8), dbSNP rs757774039, ClinGen allele CA658658206.
Genomic context (GRCh38, chr12:132,634,295, plus strand): 5'-AAACTGCAAAATGTTCCAGTTGTTTTCCAGTAAATCCTCCACGTTGGATTCCTCCGCCTC[TTCCTCC>T]TCCTCCCCATCTCTTTCCTCCTCATCGTCCTCATTTTCCTGCTCATCCTCTGCTCCCCCT-3'